The following is an entry in ClinVar:

NM_005654.6(NR2F1):c.293A>G (p.Tyr98Cys)

Genes: NR2F1-AS1 (NR2F1 regulatory antisense RNA 1; minus strand), NR2F1 (nuclear receptor subfamily 2 group F member 1; plus strand). Cytogenetic location: 5q15.
Variant type: single nucleotide variant.
Coding change: c.293A>G on transcript NM_005654.6 (MANE Select); coding-DNA position 293, A replaced by G.
Protein change: p.Tyr98Cys; replaces tyrosine 98 with cysteine.
Molecular consequence: missense variant.
Genome position (GRCh38, 1-based): chr5:93,585,316, A>G. VCF-style: chr5-93585316-A-G. GRCh37 (hg19) VCF-style: chr5-92921022-A-G.
Other names: short protein forms Y98C.
Identifiers: ClinVar variation 4532008 (VCV004532008.1).

ClinVar aggregate classification (germline): Likely pathogenic (1 of 4 stars; one submission).

Conditions:
Bosch-Boonstra-Schaaf optic atrophy syndrome (BBSOAS). Also called: NR2F1-Related Neurodevelopmental Disorder. Identifiers: Orphanet 401777, MedGen C3810363, MONDO:0014320, OMIM 615722.

Submission:

Victorian Clinical Genetics Services, Murdoch Childrens Research Institute
Classification: Likely pathogenic for Bosch-Boonstra-Schaaf optic atrophy syndrome. Last evaluated: 2025-09-30. Review status: criteria provided, single submitter. Criteria: ACMG Guidelines, 2015. Collection method: clinical testing. Allele origin: germline. Affected: yes.
Comment: This variant is classified as Likely pathogenic. Evidence in support of pathogenic classification: Variant is absent from gnomAD (v2, v3 and v4); This variant has moderate previous evidence of pathogenicity in unrelated individuals. This variant has been shown to be de novo and classified as likely pathogenic in an individual with autosomal dominant Bosch-Boonstra-Schaaf optic atrophy syndrome (BBSOAS) (PMID: 35455940); Another missense variant comparable to the one identified in this case has limited previous evidence for pathogenicity. The p.(Tyr98His) variant has been shown to be de novo and reported as likely pathogenic in an individual with BBSOAS (PMID: 35455940); Variant is located in the well-established functional zinc finger, C4 type domain. Pathogenic variants are commonly reported in this domain (PMIDs: 24462372, 26986877, 28963436); Missense variant predicted to be damaging by in silico tool(s) or highly conserved with a major amino acid change. Additional information: Variant is predicted to result in a missense amino acid change from Tyr to Cys; This variant is heterozygous; This gene is associated with autosomal dominant disease; No published evidence of segregation with disease has been identified for this variant; No published functional evidence has been identified for this variant; Loss of function is a known mechanism of disease in this gene and is associated with Bosch-Boonstra-Schaaf optic atrophy syndrome (MIM#615722). Dominant negative has also been proposed as a likely mechanism for some missense variants found in the DNA-binding domain (PMID: 26986877); Inheritance information for this variant is not currently available in this individual.

Literature cited by the submitters: PubMed 28963436; PubMed 35455940; PubMed 24462372; PubMed 26986877.